The following is an entry in ClinVar:

NM_000548.5(TSC2):c.3889G>T (p.Ala1297Ser)

Gene: TSC2 (TSC complex subunit 2; plus strand). Cytogenetic location: 16p13.3.
Variant type: single nucleotide variant.
Coding change: c.3889G>T on transcript NM_000548.5 (MANE Select); coding-DNA position 3889, G replaced by T.
Protein change: p.Ala1297Ser; replaces alanine 1297 with serine.
Molecular consequence: missense variant. On other transcripts: non-coding transcript variant (5).
Genome position (GRCh38, 1-based): chr16:2,083,700, G>T. VCF-style: chr16-2083700-G-T. GRCh37 (hg19) VCF-style: chr16-2133701-G-T.
Other names: c.3688G>T, p.Ala1230Ser (NM_001077183.3); c.3820G>T, p.Ala1274Ser (NM_001114382.3); c.3580G>T, p.Ala1194Ser (NM_001318827.2); c.3544G>T, p.Ala1182Ser (NM_001318829.2); c.3157G>T, p.Ala1053Ser (NM_001318831.2); c.3721G>T, p.Ala1241Ser (NM_001318832.2); c.3691G>T, p.Ala1231Ser (NM_001363528.2); c.3757G>T, p.Ala1253Ser (NM_001370404.1); and 26 more; short protein forms A1077S, A1182S, A1211S, A1224S, A1226S, A1254S, A1274S, A783S.
Identifiers: ClinVar variation 3691332 (VCV003691332.2).
Genomic context (GRCh38, chr16:2,083,700, plus strand): 5'-AGGGCCAGGGCCTGGCCCAGCCCCACATCCAGCAGCCCCGTCTGTGTCCTCCCAGACTCC[G>T]CCGTGGTCATGGAGGAGGGAAGTCCGGGCGAGGTTCCTGTGCTGGTGGAGCCCCCAGGGT-3'
Protein context (NP_000539.2, residues 1287-1307): LHRSVSWADS[Ala1297Ser]VVMEEGSPGE

ClinVar aggregate classification (germline): Uncertain significance (1 of 4 stars; one submission).

Conditions:
Tuberous sclerosis 2 (TSC2). Identifiers: Orphanet 805, MedGen C1860707, MONDO:0013199, OMIM 613254.

Submission:

Labcorp Genetics (formerly Invitae), Labcorp
Classification: Uncertain significance for Tuberous sclerosis 2. Last evaluated: 2024-02-16. Review status: criteria provided, single submitter. Criteria: Invitae Variant Classification Sherloc (09022015). Collection method: clinical testing. Allele origin: germline.
Comment: This sequence change replaces alanine, which is neutral and non-polar, with serine, which is neutral and polar, at codon 1297 of the TSC2 protein (p.Ala1297Ser). This variant is not present in population databases (gnomAD no frequency). This variant has not been reported in the literature in individuals affected with TSC2-related conditions. Advanced modeling of protein sequence and biophysical properties (such as structural, functional, and spatial information, amino acid conservation, physicochemical variation, residue mobility, and thermodynamic stability) performed at Invitae indicates that this missense variant is not expected to disrupt TSC2 protein function with a negative predictive value of 95%. In summary, the available evidence is currently insufficient to determine the role of this variant in disease. Therefore, it has been classified as a Variant of Uncertain Significance.